The following is an entry in ClinVar:

NM_003265.3(TLR3):c.563G>A (p.Ser188Asn)

Gene: TLR3 (toll like receptor 3; plus strand). Cytogenetic location: 4q35.1.
Variant type: single nucleotide variant.
Coding change: c.563G>A on transcript NM_003265.3 (MANE Select); coding-DNA position 563, G replaced by A.
Protein change: p.Ser188Asn; replaces serine 188 with asparagine.
Molecular consequence: missense variant.
Genome position (GRCh38, 1-based): chr4:186,078,961, G>A. VCF-style: chr4-186078961-G-A. GRCh37 (hg19) VCF-style: chr4-187000115-G-A.
Other names: short protein forms S188N.
Identifiers: ClinVar variation 2782288 (VCV002782288.2), dbSNP rs2478215715, ClinGen allele CA359108336.

ClinVar aggregate classification (germline): Uncertain significance (1 of 4 stars; one submission).

Conditions:
Encephalopathy, acute, infection-induced (herpes-specific), susceptibility to, 1. Also called: Herpes simplex encephalitis, susceptibility to, 1. Identifiers: Orphanet 1930, MedGen C2750180, MONDO:0024563, OMIM 610551.

Allele frequency attached by ClinVar (database versions not stated): gnomAD exomes below 0.00001.

Submission:

Labcorp Genetics (formerly Invitae), Labcorp
Classification: Uncertain significance for Encephalopathy, acute, infection-induced (herpes-specific), susceptibility to, 1. Last evaluated: 2023-09-19. Review status: criteria provided, single submitter. Criteria: Invitae Variant Classification Sherloc (09022015). Collection method: clinical testing. Allele origin: germline.
Comment: In summary, the available evidence is currently insufficient to determine the role of this variant in disease. Therefore, it has been classified as a Variant of Uncertain Significance. An algorithm developed to predict the effect of missense changes on protein structure and function (PolyPhen-2) suggests that this variant¬¨‚Ä†is likely to be tolerated. This variant has not been reported in the literature in individuals affected with TLR3-related conditions. This variant is not present in population databases (gnomAD no frequency). This sequence change replaces serine, which is neutral and polar, with asparagine, which is neutral and polar, at codon 188 of the TLR3 protein (p.Ser188Asn).